The following is an entry in ClinVar:

NM_001375808.2(LPIN2):c.840A>G (p.Arg280=)

Gene: LPIN2 (lipin 2; minus strand). Cytogenetic location: 18p11.31.
Variant type: single nucleotide variant.
Coding change: c.840A>G on transcript NM_001375808.2 (MANE Select); coding-DNA position 840, A replaced by G.
Protein change: p.Arg280=; no amino-acid change (arginine 280 retained).
Molecular consequence: synonymous variant.
Genome position (GRCh38, 1-based): chr18:2,938,020, T>C on the plus strand (A>G on the coding strand, the complement: LPIN2 is on the minus strand). VCF-style: chr18-2938020-T-C. GRCh37 (hg19) VCF-style: chr18-2938018-T-C.
Other names: c.840A>G, p.Arg280= (NM_001375809.1, NM_014646.2).
Identifiers: ClinVar variation 811983 (VCV000811983.24), dbSNP rs780138552, ClinGen allele CA8873266.

ClinVar aggregate classification (germline): Likely benign. Review status: criteria provided, multiple submitters, no conflicts (2 of 4 stars). 4 submissions from 4 submitters: Likely benign (4). Last evaluated 2026-01-22.

Conditions:
Majeed syndrome (MJDS). Also called: LPIN2-Related Majeed Syndrome; CHRONIC RECURRENT MULTIFOCAL OSTEOMYELITIS 1, WITH CONGENITAL DYSERYTHROPOIETIC ANEMIA, WITH OR WITHOUT NEUTROPHILIC DERMATOSIS. Identifiers: Orphanet 77297, MedGen C1864997, MONDO:0012316, OMIM 609628.
LPIN2-related disorder. Also called: LPIN2-related condition.

Allele frequency attached by ClinVar (database versions not stated): gnomAD exomes below 0.00001 and 0.00001; ExAC 0.00001; TOPMed 0.00001.
gnomAD v4.1: 16 of 1,613,952 alleles (0.00099%); highest among the groups gnomAD compares: South Asian, 0.013%; no homozygotes.

Submissions (4):

Labcorp Genetics (formerly Invitae), Labcorp
Classification: Likely benign for Majeed syndrome. Last evaluated: 2026-01-22. Review status: criteria provided, single submitter. Criteria: Invitae Variant Classification Sherloc (09022015). Collection method: clinical testing. Allele origin: germline.

PreventionGenetics, part of Exact Sciences
Classification: Likely benign for LPIN2-related condition. Last evaluated: 2024-10-25. Review status: criteria provided, single submitter. Criteria: ACMG Guidelines, 2015. Collection method: clinical testing. Allele origin: germline.
Comment: This variant is classified as likely benign based on ACMG/AMP sequence variant interpretation guidelines (Richards et al. 2015 PMID: 25741868, with internal and published modifications).

Blueprint Genetics
Classification: Likely benign. Last evaluated: 2024-05-24. Review status: criteria provided, single submitter. Criteria: ACMG Guidelines, 2015. Collection method: clinical testing. Allele origin: germline.

ARUP Laboratories, Molecular Genetics and Genomics, ARUP Laboratories
Classification: Likely benign for Majeed syndrome. Last evaluated: 2019-08-12. Review status: criteria provided, single submitter. Criteria: ARUP Molecular Germline Variant Investigation Process. Collection method: clinical testing. Allele origin: germline.